The following is an entry in ClinVar:

ClinVar aggregate classification (germline): Uncertain significance (1 of 4 stars; one submission).

Submissions (2):

CeGaT Center for Human Genetics Tuebingen
Classification: Uncertain significance. Last evaluated: 2023-04-01. Review status: criteria provided, single submitter. Criteria: CeGaT Center For Human Genetics Tuebingen Variant Classification Criteria Version 2. Collection method: clinical testing. Allele origin: germline. Affected: yes. Observed: 1 variant allele.
Comment: KCNE1: PM2, BP4

Roden Lab, Vanderbilt University Medical Center
No classification provided (evidence only). Condition: Long QT syndrome 5. Review status: no classification provided. Collection method: in vitro. Allele origin: not applicable. Functional consequence: Effect on ion channel function. Not counted in ClinVar's aggregate classification.
ClinVar note: "not provided" was previously submitted as the classification for the variant. However, the classification appeared to be based only on an observation of functional data so it was converted to no classification on 2025-07-30.

NM_000219.6(KCNE1):c.224A>G (p.Asn75Ser)

Gene: KCNE1 (potassium voltage-gated channel subfamily E regulatory subunit 1; minus strand). Cytogenetic location: 21q22.12.
Variant type: single nucleotide variant.
Coding change: c.224A>G on transcript NM_000219.6 (MANE Select); coding-DNA position 224, A replaced by G.
Protein change: p.Asn75Ser; replaces asparagine 75 with serine.
Molecular consequence: missense variant.
Genome position (GRCh38, 1-based): chr21:34,449,411, T>C on the plus strand (A>G on the coding strand, the complement: KCNE1 is on the minus strand). VCF-style: chr21-34449411-T-C. GRCh37 (hg19) VCF-style: chr21-35821709-T-C.
Other names: c.224A>G, p.Asn75Ser (NM_001127668.4, NM_001127669.4, NM_001127670.4 and 4 more transcripts); short protein forms N75S.
Identifiers: ClinVar variation 2652634 (VCV002652634.26), dbSNP rs2516763426, ClinGen allele CA410198237.
Genomic context (GRCh38, chr21:34,449,411, plus strand): 5'-ACATAGGCCTTGTCCTTCTCTTGCCAGGCATCGGACTCGATGTAGACGTTGAATGGGTCG[T>C]TCGAGTGCTCCAGCTTCTTGGAGCGGATGTAGCTCAGCATGATGCCCAGGGTGAAGAAGC-3'
Protein context (NP_000210.2, residues 65-85): YIRSKKLEHS[Asn75Ser]DPFNVYIESD